The following is an entry in ClinVar:

NM_001330588.2(TPP2):c.3160A>G (p.Ile1054Val)

Gene: TPP2 (tripeptidyl peptidase 2; plus strand). Cytogenetic location: 13q33.1.
Variant type: single nucleotide variant.
Coding change: c.3160A>G on transcript NM_001330588.2 (MANE Select); coding-DNA position 3160, A replaced by G.
Protein change: p.Ile1054Val; replaces isoleucine 1054 with valine.
Molecular consequence: missense variant. On other transcripts: non-coding transcript variant (1).
Genome position (GRCh38, 1-based): chr13:102,663,664, A>G. VCF-style: chr13-102663664-A-G. GRCh37 (hg19) VCF-style: chr13-103316014-A-G.
Other names: c.3121A>G, p.Ile1041Val (NM_001367947.1, NM_003291.4); short protein forms I1041V, I1054V.
Identifiers: ClinVar variation 4690505 (VCV004690505.1).

ClinVar aggregate classification (germline): Uncertain significance (1 of 4 stars; one submission).

Conditions:
Evans syndrome, immunodeficiency, and premature immunosenescence associated with tripeptidyl-peptidase II deficiency. Identifiers: MedGen CN231723. Disease mechanism: loss of function.

gnomAD v4.1: 3 of 1,603,852 alleles (0.00019%); highest among the groups gnomAD compares: Non-Finnish European, 0.00017%; no homozygotes.

Submission:

Labcorp Genetics (formerly Invitae), Labcorp
Classification: Uncertain significance for Evans syndrome, immunodeficiency, and premature immunosenescence associated with tripeptidyl-peptidase II deficiency. Last evaluated: 2025-10-22. Review status: criteria provided, single submitter. Criteria: Invitae Variant Classification Sherloc (09022015). Collection method: clinical testing. Allele origin: germline.
Comment: This sequence change replaces isoleucine, which is neutral and non-polar, with valine, which is neutral and non-polar, at codon 1041 of the TPP2 protein (p.Ile1041Val). The frequency data for this variant in the population databases is considered unreliable, as metrics indicate poor data quality at this position in the gnomAD database. This variant has not been reported in the literature in individuals affected with TPP2-related conditions. An algorithm developed to predict the effect of missense changes on protein structure and function (PolyPhen-2) suggests that this variant is likely to be tolerated. In summary, the available evidence is currently insufficient to determine the role of this variant in disease. Therefore, it has been classified as a Variant of Uncertain Significance.